The following is an entry in ClinVar:

ClinVar aggregate classification (germline): Uncertain significance (1 of 4 stars; one submission).

Conditions:
Hereditary cancer-predisposing syndrome. Also called: Neoplastic Syndromes, Hereditary; Tumor predisposition; Hereditary Cancer Syndrome; Hereditary neoplastic syndrome. Identifiers: Orphanet 140162, MedGen C0027672, MeSH D009386, MONDO:0015356.

gnomAD v4.1: 1 of 1,613,668 alleles (0.000062%); highest among the groups gnomAD compares: Non-Finnish European, 0.000085%; no homozygotes.

Submission:

Ambry Genetics
Classification: Uncertain significance for Hereditary cancer-predisposing syndrome. Last evaluated: 2025-10-28. Review status: criteria provided, single submitter. Criteria: Ambry Variant Classification Scheme 2023. Collection method: clinical testing. Allele origin: germline.
Comment: The p.T411P variant (also known as c.1231A>C), located in coding exon 8 of the BRIP1 gene, results from an A to C substitution at nucleotide position 1231. The threonine at codon 411 is replaced by proline, an amino acid with highly similar properties. This amino acid position is conserved. In addition, the in silico prediction for this alteration is inconclusive. Based on the available evidence, the clinical significance of this variant remains unclear.

NM_032043.3(BRIP1):c.1231A>C (p.Thr411Pro)

Gene: BRIP1 (BRCA1 interacting DNA helicase 1; minus strand). Cytogenetic location: 17q23.2.
Variant type: single nucleotide variant.
Coding change: c.1231A>C on transcript NM_032043.3 (MANE Select); coding-DNA position 1231, A replaced by C.
Protein change: p.Thr411Pro; replaces threonine 411 with proline.
Molecular consequence: missense variant.
Genome position (GRCh38, 1-based): chr17:61,799,209, T>G on the plus strand (A>C on the coding strand, the complement: BRIP1 is on the minus strand). VCF-style: chr17-61799209-T-G. GRCh37 (hg19) VCF-style: chr17-59876570-T-G.
Other names: short protein forms T411P.
Identifiers: ClinVar variation 4631011 (VCV004631011.1).